The following is an entry in ClinVar:

ClinVar aggregate classification (germline): Uncertain significance (1 of 4 stars; one submission).

Conditions:
Neurofibromatosis, type 2 (SWNV). Also called: NF2-Related Schwannomatosis; BILATERAL ACOUSTIC NEUROFIBROMATOSIS; SCHWANNOMATOSIS, VESTIBULAR. Identifiers: Orphanet 637, MedGen C0027832, MONDO:0007039, OMIM 101000. Disease mechanism: loss of function.

Submission:

Labcorp Genetics (formerly Invitae), Labcorp
Classification: Uncertain significance for Neurofibromatosis, type 2. Last evaluated: 2023-12-17. Review status: criteria provided, single submitter. Criteria: Invitae Variant Classification Sherloc (09022015). Collection method: clinical testing. Allele origin: germline.
Comment: This sequence change replaces lysine, which is basic and polar, with arginine, which is basic and polar, at codon 573 of the NF2 protein (p.Lys573Arg). This variant is not present in population databases (gnomAD no frequency). This variant has not been reported in the literature in individuals affected with NF2-related conditions. Advanced modeling of protein sequence and biophysical properties (such as structural, functional, and spatial information, amino acid conservation, physicochemical variation, residue mobility, and thermodynamic stability) performed at Invitae indicates that this missense variant is not expected to disrupt NF2 protein function with a negative predictive value of 80%. In summary, the available evidence is currently insufficient to determine the role of this variant in disease. Therefore, it has been classified as a Variant of Uncertain Significance.

NM_000268.4(NF2):c.1718A>G (p.Lys573Arg)

Gene: NF2 (NF2, moesin-ezrin-radixin like (MERLIN) tumor suppressor; plus strand). Cytogenetic location: 22q12.2.
Variant type: single nucleotide variant.
Coding change: c.1718A>G on transcript NM_000268.4 (MANE Select); coding-DNA position 1718, A replaced by G.
Protein change: p.Lys573Arg; replaces lysine 573 with arginine.
Molecular consequence: missense variant. On other transcripts: intron variant (3).
Genome position (GRCh38, 1-based): chr22:29,681,582, A>G. VCF-style: chr22-29681582-A-G. GRCh37 (hg19) VCF-style: chr22-30077571-A-G.
Other names: c.1604A>G, p.Lys535Arg (NM_001407053.1, NM_001407056.1); c.1595A>G, p.Lys532Arg (NM_001407054.1, NM_001407058.1, NM_181829.3); c.1592A>G, p.Lys531Arg (NM_001407055.1, NM_181828.3); c.1583A>G, p.Lys528Arg (NM_001407057.1, NM_001407059.1); c.1460A>G, p.Lys487Arg (NM_001407062.1); c.1469A>G, p.Lys490Arg (NM_001407063.1, NM_181830.3, NM_181831.3); c.1184A>G, p.Lys395Arg (NM_001407065.1); c.1718A>G, p.Lys573Arg (NM_001407066.1, NM_016418.5, NM_181825.3 and 1 more transcripts); and 4 more; short protein forms K395R, K532R, K496R, K531R, K490R, K528R, K573R, K487R.
Identifiers: ClinVar variation 2966161 (VCV002966161.3), dbSNP rs1229934044, ClinGen allele CA411150484.